The following is an entry in ClinVar:

ClinVar aggregate classification (germline): Pathogenic (1 of 4 stars; one submission).

Conditions:
Kartagener syndrome (CILD1). Also called: CILIARY DYSKINESIA, PRIMARY, 1; CILIARY DYSKINESIA, PRIMARY, 1, WITH OR WITHOUT SITUS INVERSUS; IMMOTILE CILIA SYNDROME; POLYNESIAN BRONCHIECTASIS; Dextrocardia bronchiectasis and sinusitis; SIEWERT SYNDROME. Identifiers: Orphanet 244, MedGen C4551906, MONDO:0009484, OMIM 244400.

Submission:

Myriad Genetics, Inc.
Classification: Pathogenic for Kartagener syndrome. Last evaluated: 2025-08-12. Review status: criteria provided, single submitter. Criteria: Myriad Autosomal Dominant, Autosomal Recessive and X-Linked Classification Criteria (2023). Collection method: clinical testing. Allele origin: unknown.
Comment: NM_012144.2(DNAI1):c.885T>G(Y295*) is expected to be pathogenic in the context of primary ciliary dyskinesia, DNAI1-related. This variant is predicted to lead to an abnormal or absent protein product due to the creation of a premature termination codon in DNAI1, a gene where loss-of-function variants are known to be pathogenic. Please note: this variant was assessed in the context of healthy population screening.

NM_012144.4(DNAI1):c.885T>G (p.Tyr295Ter)

Gene: DNAI1 (dynein axonemal intermediate chain 1; plus strand). Cytogenetic location: 9p13.3.
Variant type: single nucleotide variant.
Coding change: c.885T>G on transcript NM_012144.4 (MANE Select); coding-DNA position 885, T replaced by G.
Protein change: p.Tyr295Ter; replaces tyrosine 295 with a stop codon.
Molecular consequence: nonsense.
Genome position (GRCh38, 1-based): chr9:34,497,183, T>G. VCF-style: chr9-34497183-T-G. GRCh37 (hg19) VCF-style: chr9-34497181-T-G.
Other names: c.897T>G, p.Tyr299Ter (NM_001281428.2); short protein forms Y295*, Y299*.
Identifiers: ClinVar variation 5014858 (VCV005014858.1).